The following is an entry in ClinVar:

NM_000360.4(TH):c.1047+1G>C

Gene: TH (tyrosine hydroxylase; minus strand). Cytogenetic location: 11p15.5.
Variant type: single nucleotide variant.
Coding change: c.1047+1G>C on transcript NM_000360.4 (MANE Select); the canonical splice donor site of the intron after coding-DNA position 1047, G replaced by C.
Molecular consequence: splice donor variant.
Genome position (GRCh38, 1-based): chr11:2,166,479, C>G on the plus strand (G>C on the coding strand, the complement: TH is on the minus strand). VCF-style: chr11-2166479-C-G. GRCh37 (hg19) VCF-style: chr11-2187709-C-G.
Other names: c.1128+1G>C (NM_199293.3); c.1140+1G>C (NM_199292.3).
Identifiers: ClinVar variation 1510615 (VCV001510615.6), dbSNP rs1340482195, ClinGen allele CA379125917.

ClinVar aggregate classification (germline): Likely pathogenic (1 of 4 stars; one submission).

Conditions:
TH-deficient dopa-responsive dystonia. Also called: Tyrosine Hydroxylase-Deficient Dopa-Responsive Dystonia; Segawa syndrome, autosomal recessive; DYT-TH. Identifiers: Orphanet 101150, MedGen C2673535, MONDO:0011551, OMIM 605407.

Allele frequency attached by ClinVar (database versions not stated): gnomAD exomes below 0.00001; gnomAD 0.00002.
gnomAD v4.1: 4 of 1,583,934 alleles (0.00025%); highest among the groups gnomAD compares: African/African-American, 0.0054%; no homozygotes.

Submission:

Labcorp Genetics (formerly Invitae), Labcorp
Classification: Likely pathogenic for TH-deficient dopa-responsive dystonia. Last evaluated: 2024-03-18. Review status: criteria provided, single submitter. Criteria: Invitae Variant Classification Sherloc (09022015). Collection method: clinical testing. Allele origin: germline.
Comment: This sequence change affects a donor splice site in intron 10 of the TH gene. It is expected to disrupt RNA splicing. Variants that disrupt the donor or acceptor splice site typically lead to a loss of protein function (PMID: 16199547), and loss-of-function variants in TH are known to be pathogenic (PMID: 22264700, 24753243). This variant is present in population databases (no rsID available, gnomAD 0.01%). This variant has not been reported in the literature in individuals affected with TH-related conditions. ClinVar contains an entry for this variant (Variation ID: 1510615). Algorithms developed to predict the effect of sequence changes on RNA splicing suggest that this variant may disrupt the consensus splice site. In summary, the currently available evidence indicates that the variant is pathogenic, but additional data are needed to prove that conclusively. Therefore, this variant has been classified as Likely Pathogenic.

Literature cited by the submitters: PubMed 16199547; PubMed 22264700; PubMed 24753243.